The following is an entry in ClinVar:

ClinVar aggregate classification (germline): Pathogenic (1 of 4 stars; one submission).

Conditions:
Microcephaly-intellectual disability-sensorineural hearing loss-epilepsy-abnormal muscle tone syndrome (NEDHSB). Also called: NEURODEVELOPMENTAL DISORDER WITH HEARING LOSS, SEIZURES, AND BRAIN ABNORMALITIES. Identifiers: Orphanet 457351, MedGen C4225276, MONDO:0014698, OMIM 616577.

Submission:

Labcorp Genetics (formerly Invitae), Labcorp
Classification: Pathogenic for Microcephaly-intellectual disability-sensorineural hearing loss-epilepsy-abnormal muscle tone syndrome. Last evaluated: 2020-06-03. Review status: criteria provided, single submitter. Criteria: Invitae Variant Classification Sherloc (09022015). Collection method: clinical testing. Allele origin: germline.
Comment: A gross deletion of the genomic region encompassing the full coding sequence of the SPATA5 gene has been identified. The boundaries of this event are unknown as the deletion extends beyond the assayed region for this gene and therefore may encompass additional genes. This variant has not been reported in the literature in individuals with SPATA5-related conditions. Loss-of-function variants in SPATA5 are known to be pathogenic (PMID: 26299366). For these reasons, this variant has been classified as Pathogenic.

Literature cited by the submitters: PubMed 26299366.

NC_000004.11:g.(?_123663028)_(124235239_?)del

Genes: NUDT6 (nudix hydrolase 6; minus strand), AFG2A (AFG2 AAA ATPase homolog A; plus strand), BBS12 (Bardet-Biedl syndrome 12; plus strand), FGF2 (fibroblast growth factor 2; plus strand). Cytogenetic location: 4q27-28.1.
Variant type: Deletion.
Identifiers: ClinVar variation 1075381 (VCV001075381.1).